The following is an entry in ClinVar:

NM_003628.6(PKP4):c.806C>A (p.Ala269Glu)

Gene: PKP4 (plakophilin 4; plus strand). Cytogenetic location: 2q24.1.
Variant type: single nucleotide variant.
Coding change: c.806C>A on transcript NM_003628.6 (MANE Select); coding-DNA position 806, C replaced by A.
Protein change: p.Ala269Glu; replaces alanine 269 with glutamic acid.
Molecular consequence: missense variant. On other transcripts: 5 prime UTR variant (1).
Genome position (GRCh38, 1-based): chr2:158,625,080, C>A. VCF-style: chr2-158625080-C-A. GRCh37 (hg19) VCF-style: chr2-159481592-C-A.
Other names: c.806C>A, p.Ala269Glu (NM_001005476.4, NM_001304969.3, NM_001304971.2 and 6 more transcripts); c.-221C>A (NM_001304970.3); c.800C>A, p.Ala267Glu (NM_001377222.1, NM_001377223.1, NM_001377224.1); short protein forms A267E, A269E.
Identifiers: ClinVar variation 1761861 (VCV001761861.3), dbSNP rs771702885, ClinGen allele CA1920524.
Genomic context (GRCh38, chr2:158,625,080, plus strand): 5'-CAGTGACCGACCCCCGACCTCTGAACCCCAGTGCATATTCCTCCACCACATTACCTGCTG[C>A]ACGGGCAGCCTCTCCGTACTCACAGAGACCCGCCTCCCCAACAGCTATACGGCGGATTGG-3'
Protein context (NP_003619.2, residues 259-279): SAYSSTTLPA[Ala269Glu]RAASPYSQRP

ClinVar aggregate classification (germline): Uncertain significance (1 of 4 stars; one submission).

Allele frequency attached by ClinVar (database versions not stated): TOPMed 0.00002.
gnomAD v4.1: 59 of 1,614,084 alleles (0.0037%); highest among the groups gnomAD compares: Non-Finnish European, 0.0047%; no homozygotes.

Submission:

Ambry Genetics
Classification: Uncertain significance. Last evaluated: 2025-03-25. Review status: criteria provided, single submitter. Criteria: Ambry Variant Classification Scheme 2023. Collection method: clinical testing. Allele origin: germline.
Comment: The p.A269E variant (also known as c.806C>A), located in coding exon 6 of the PKP4 gene, results from a C to A substitution at nucleotide position 806. The alanine at codon 269 is replaced by glutamic acid, an amino acid with dissimilar properties. This amino acid position is conserved. In addition, this alteration is predicted to be tolerated by in silico analysis. Since supporting evidence is limited at this time, the clinical significance of this alteration remains unclear.